The following is an entry in ClinVar:

NM_001042492.3(NF1):c.100G>A (p.Val34Ile)

Gene: NF1 (neurofibromin 1; plus strand). Cytogenetic location: 17q11.2.
Variant type: single nucleotide variant.
Coding change: c.100G>A on transcript NM_001042492.3 (MANE Select); coding-DNA position 100, G replaced by A.
Protein change: p.Val34Ile; replaces valine 34 with isoleucine.
Molecular consequence: missense variant.
Genome position (GRCh38, 1-based): chr17:31,156,022, G>A. VCF-style: chr17-31156022-G-A. GRCh37 (hg19) VCF-style: chr17-29483040-G-A.
Other names: c.100G>A, p.Val34Ile (NM_000267.4, NM_001128147.3); short protein forms V34I.
Identifiers: ClinVar variation 186105 (VCV000186105.15), dbSNP rs772995929, ClinGen allele CA193875.
Genomic context (GRCh38, chr17:31,156,022, plus strand): 5'-TTTTTTTTCTTTTTTTTTCAGCTTCCAATAAAAACAGGACAGCAGAACACACATACCAAA[G>A]TCAGTACTGAGCACAACAAGGAATGTCTAATCAATATTTCCAAATACAAGTTTTCTTTGG-3'
Protein context (NP_001035957.1, residues 24-44): KTGQQNTHTK[Val34Ile]STEHNKECLI

ClinVar aggregate classification (germline): Conflicting classifications of pathogenicity. Review status: criteria provided, conflicting classifications (1 of 4 stars). 6 submissions from 5 submitters: Uncertain significance (4); Benign (1); Likely benign (1). Last evaluated 2026-06-30.

Conditions:
NF1-related disorder. Also called: NF1-related condition. Identifiers: MedGen CN379171.
Cardiovascular phenotype. Identifiers: MedGen CN230736.
Hereditary cancer-predisposing syndrome. Also called: Neoplastic Syndromes, Hereditary; Tumor predisposition; Hereditary neoplastic syndrome; Hereditary Cancer Syndrome. Identifiers: Orphanet 140162, MedGen C0027672, MeSH D009386, MONDO:0015356.
Juvenile myelomonocytic leukemia (JMML). Also called: LEUKEMIA, JUVENILE MYELOMONOCYTIC, SOMATIC. Identifiers: Orphanet 86834, MedGen C0349639, MONDO:0011908, OMIM 607785, HP:0012209.
Neurofibromatosis-Noonan syndrome (NFNS). Also called: NEUROFIBROMATOSIS WITH NOONAN PHENOTYPE. Identifiers: Orphanet 638, MedGen C2931482, MONDO:0011035, OMIM 601321. Disease mechanism: loss of function.
Café-au-lait macules with pulmonary stenosis (WTSN). Also called: PULMONIC STENOSIS WITH CAFE-AU-LAIT SPOTS. Identifiers: MedGen C0553586, MONDO:0008672, OMIM 193520.
Neurofibromatosis, familial spinal (FSNF). Identifiers: Orphanet 636, MedGen C1834235, MONDO:0008078, OMIM 162210. Disease mechanism: loss of function.
Neurofibromatosis, type 1 (NF1). Also called: VON RECKLINGHAUSEN DISEASE; Peripheral type neurofibromatosis; Neurofibromatosis, type I; NEUROFIBROMATOSIS, TYPE I, SOMATIC. Identifiers: Orphanet 636, MedGen C0027831, MONDO:0018975, OMIM 162200. Disease mechanism: loss of function.

Allele frequency attached by ClinVar (database versions not stated): ExAC 0.00002; gnomAD exomes 0.00003; TOPMed 0.00003.
gnomAD v4.1: 9 of 1,612,626 alleles (0.00056%); highest among the groups gnomAD compares: Admixed American, 0.012%; no homozygotes.

Submissions (6):

PreventionGenetics, part of Exact Sciences
Classification: Uncertain significance for NF1-related condition. Last evaluated: 2026-06-30. Review status: criteria provided, single submitter. Criteria: ACMG Guidelines, 2015. Collection method: clinical testing. Allele origin: germline.
Comment: The NF1 c.100G>A variant is predicted to result in the amino acid substitution p.Val34Ile. This variant was reported in an individual with colorectal cancer (Supplemental data, Gifoni et al. 2022. PubMed ID: 35957908). This variant is reported in 0.017% of alleles in individuals of Latino descent in gnomAD and has conflicting classifications in ClinVar ranging from uncertain to likely benign (Variation ID: 186105). Although we suspect that this variant may be benign, at this time, the clinical significance of this variant is uncertain due to the absence of conclusive functional and genetic evidence.

Labcorp Genetics (formerly Invitae), Labcorp
Classification: Likely benign for Neurofibromatosis, type 1. Last evaluated: 2025-11-23. Review status: criteria provided, single submitter. Criteria: Invitae Variant Classification Sherloc (09022015). Collection method: clinical testing. Allele origin: germline.

Ambry Genetics
Classification: Benign for Cardiovascular phenotype; Hereditary cancer-predisposing syndrome. Last evaluated: 2023-06-30. Review status: criteria provided, single submitter. Criteria: Ambry Variant Classification Scheme 2023. Collection method: clinical testing. Allele origin: germline.

Genome-Nilou Lab
Classification: Uncertain significance for Neurofibromatosis, type 1. Last evaluated: 2022-03-15. Review status: criteria provided, single submitter. Criteria: ACMG Guidelines, 2015. Collection method: clinical testing. Allele origin: germline. Affected: no.

Fulgent Genetics
Classification: Uncertain significance for Neurofibromatosis, type 1; Neurofibromatosis, familial spinal; Café-au-lait macules with pulmonary stenosis; Neurofibromatosis-Noonan syndrome; Juvenile myelomonocytic leukemia. Last evaluated: 2022-02-03. Review status: criteria provided, single submitter. Criteria: ACMG Guidelines, 2015. Collection method: clinical testing. Allele origin: unknown.

Ambry Genetics
Classification: Uncertain significance for Hereditary cancer-predisposing syndrome. Last evaluated: 2015-06-30. Review status: criteria provided, single submitter. Criteria: Ambry Autosomal Dominant and X-Linked criteria (10/2015). Collection method: clinical testing. Allele origin: germline. Observed: 1 variant allele.
Comment: The p.V34I variant (also known as c.100G>A), located in coding exon 2 of the NF1 gene, results from a G to A substitution at nucleotide position 100. The valine at codon 34 is replaced by isoleucine, an amino acid with highly similar properties. This variant was not reported in population based cohorts in the following databases: Database of Single Nucleotide Polymorphisms (dbSNP), NHLBI Exome Sequencing Project (ESP), and 1000 Genomes Project. In the ESP, this variant was not observed in 6503 samples (13006 alleles) with coverage at this position. To date, this alteration has been detected with an allele frequency of approximately 0.001% (greater than 55000 alleles tested) in our clinical cohort.This amino acid position is highly conserved in available vertebrate species. However, this alteration is predicted to be benign and tolerated by PolyPhen and SIFT in silico analyses, respectively.Since supporting evidence is limited at this time, the clinical significance ofp.V34Iremains unclear.